The following is an entry in ClinVar:

NM_001143831.3(GRM5):c.1691-4G>T

Gene: GRM5 (glutamate metabotropic receptor 5; minus strand). Cytogenetic location: 11q14.2.
Variant type: single nucleotide variant.
Coding change: c.1691-4G>T on transcript NM_001143831.3 (MANE Select); 4 bases into the intron before coding-DNA position 1691, G replaced by T.
Molecular consequence: intron variant.
Genome position (GRCh38, 1-based): chr11:88,567,996, C>A on the plus strand (G>T on the coding strand, the complement: GRM5 is on the minus strand). VCF-style: chr11-88567996-C-A. GRCh37 (hg19) VCF-style: chr11-88301164-C-A.
Other names: c.1691-4G>T (NM_001384268.1, NM_000842.5).
Identifiers: ClinVar variation 718721 (VCV000718721.28), dbSNP rs78762341, ClinGen allele CA6220557.

ClinVar aggregate classification (germline): Likely benign. Review status: criteria provided, multiple submitters, no conflicts (2 of 4 stars). 2 submissions from 2 submitters: Likely benign (2). Last evaluated 2023-02-01.

Allele frequency attached by ClinVar (database versions not stated): 1000 Genomes Project 0.00080; gnomAD 0.00081 and 0.00082; TOPMed 0.00087; ESP Exome Variant Server 0.00108; 1000 Genomes Project 30x 0.00109; gnomAD exomes 0.00111 and 0.00149; ExAC 0.00124.
gnomAD v4.1: 2,315 of 1,588,214 alleles (0.15%); highest among the groups gnomAD compares: Middle Eastern, 0.27%; 6 homozygotes.

Submissions (2):

CeGaT Center for Human Genetics Tuebingen
Classification: Likely benign. Last evaluated: 2023-02-01. Review status: criteria provided, single submitter. Criteria: CeGaT Center For Human Genetics Tuebingen Variant Classification Criteria Version 2. Collection method: clinical testing. Allele origin: germline. Affected: yes. Observed: 1 variant allele.
Comment: GRM5: BP4, BS2

Labcorp Genetics (formerly Invitae), Labcorp
Classification: Likely benign. Last evaluated: 2019-12-31. Review status: criteria provided, single submitter. Criteria: Invitae Variant Classification Sherloc (09022015). Collection method: clinical testing. Allele origin: germline.